The following is an entry in ClinVar:

NM_030662.4(MAP2K2):c.1195G>A (p.Ala399Thr)

Gene: MAP2K2 (mitogen-activated protein kinase kinase 2; minus strand). Cytogenetic location: 19p13.3.
Variant type: single nucleotide variant.
Coding change: c.1195G>A on transcript NM_030662.4 (MANE Select); coding-DNA position 1195, G replaced by A.
Protein change: p.Ala399Thr; replaces alanine 399 with threonine.
Molecular consequence: missense variant.
Genome position (GRCh38, 1-based): chr19:4,090,606, C>T on the plus strand (G>A on the coding strand, the complement: MAP2K2 is on the minus strand). VCF-style: chr19-4090606-C-T. GRCh37 (hg19) VCF-style: chr19-4090604-C-T.
Other names: short protein forms A399T.
Identifiers: ClinVar variation 1027629 (VCV001027629.6), dbSNP rs1382101858, ClinGen allele CA403380630.

ClinVar aggregate classification (germline): Uncertain significance. Review status: criteria provided, multiple submitters, no conflicts (2 of 4 stars). 2 submissions from 2 submitters: Uncertain significance (2). Last evaluated 2025-09-15.

Conditions:
RASopathy. Also called: rasopathies; Noonan spectrum disorder. Identifiers: Orphanet 536391, MedGen C5555857, MONDO:0021060.

Allele frequency attached by ClinVar (database versions not stated): gnomAD exomes 0.00001; TOPMed 0.00001.

Submissions (2):

Labcorp Genetics (formerly Invitae), Labcorp
Classification: Uncertain significance for RASopathy. Last evaluated: 2025-09-15. Review status: criteria provided, single submitter. Criteria: Invitae Variant Classification Sherloc (09022015). Collection method: clinical testing. Allele origin: germline.
Comment: This sequence change replaces alanine, which is neutral and non-polar, with threonine, which is neutral and polar, at codon 399 of the MAP2K2 protein (p.Ala399Thr). The frequency data for this variant in the population databases is considered unreliable, as metrics indicate poor data quality at this position in the gnomAD database. This variant has not been reported in the literature in individuals affected with MAP2K2-related conditions. ClinVar contains an entry for this variant (Variation ID: 1027629). Invitae Evidence Modeling of protein sequence and biophysical properties (such as structural, functional, and spatial information, amino acid conservation, physicochemical variation, residue mobility, and thermodynamic stability) indicates that this missense variant is not expected to disrupt MAP2K2 protein function with a negative predictive value of 95%. In summary, the available evidence is currently insufficient to determine the role of this variant in disease. Therefore, it has been classified as a Variant of Uncertain Significance.

Women's Health and Genetics/Laboratory Corporation of America, LabCorp
Classification: Uncertain significance. Last evaluated: 2024-11-25. Review status: criteria provided, single submitter. Criteria: LabCorp Variant Classification Summary - May 2015. Collection method: clinical testing. Allele origin: germline.
Comment: Variant summary: MAP2K2 c.1195G>A (p.Ala399Thr) results in a non-conservative amino acid change in the encoded protein sequence. Three of five in-silico tools predict a benign effect of the variant on protein function. The variant allele was found at a frequency of 1.3e-05 in 156778 control chromosomes. The available data on variant occurrences in the general population are insufficient to allow any conclusion about variant significance. To our knowledge, no occurrence of c.1195G>A in individuals affected with Cardiofaciocutaneous Syndrome and no experimental evidence demonstrating its impact on protein function have been reported. ClinVar contains an entry for this variant (Variation ID: 1027629). Based on the evidence outlined above, the variant was classified as uncertain significance.